The following is an entry in ClinVar:

ClinVar aggregate classification (germline): Uncertain significance (1 of 4 stars; one submission).

Conditions:
Fanconi anemia (FA). Also called: Fanconi's anemia. Identifiers: Orphanet 84, MedGen C0015625, MeSH D005199, MONDO:0019391.

gnomAD v4.1: 3 of 1,574,796 alleles (0.00019%); highest among the groups gnomAD compares: Non-Finnish European, 0.00026%; no homozygotes.

Submission:

Labcorp Genetics (formerly Invitae), Labcorp
Classification: Uncertain significance for Fanconi anemia. Last evaluated: 2023-01-04. Review status: criteria provided, single submitter. Criteria: Invitae Variant Classification Sherloc (09022015). Collection method: clinical testing. Allele origin: germline.
Comment: This sequence change replaces arginine, which is basic and polar, with leucine, which is neutral and non-polar, at codon 558 of the SLX4 protein (p.Arg558Leu). This variant is not present in population databases (gnomAD no frequency). This variant has not been reported in the literature in individuals affected with SLX4-related conditions. Algorithms developed to predict the effect of missense changes on protein structure and function (SIFT, PolyPhen-2, Align-GVGD) all suggest that this variant is likely to be tolerated. In summary, the available evidence is currently insufficient to determine the role of this variant in disease. Therefore, it has been classified as a Variant of Uncertain Significance.

NM_032444.4(SLX4):c.1673G>T (p.Arg558Leu)

Gene: SLX4 (SLX4 structure-specific endonuclease subunit; minus strand). Cytogenetic location: 16p13.3.
Variant type: single nucleotide variant.
Coding change: c.1673G>T on transcript NM_032444.4 (MANE Select); coding-DNA position 1673, G replaced by T.
Protein change: p.Arg558Leu; replaces arginine 558 with leucine.
Molecular consequence: missense variant.
Genome position (GRCh38, 1-based): chr16:3,597,389, C>A on the plus strand (G>T on the coding strand, the complement: SLX4 is on the minus strand). VCF-style: chr16-3597389-C-A. GRCh37 (hg19) VCF-style: chr16-3647390-C-A.
Other names: short protein forms R558L.
Identifiers: ClinVar variation 2731104 (VCV002731104.3), dbSNP rs773558127, ClinGen allele CA394528586.